The following is an entry in ClinVar:

ClinVar aggregate classification (germline): Likely pathogenic (1 of 4 stars; one submission).

Conditions:
Hereditary spastic paraplegia 4. Also called: Spastic Paraplegia 4; Spastic paraplegia 4, autosomal dominant; Familial spastic paraplegia autosomal dominant 2. Identifiers: Orphanet 100985, MedGen C1866855, MONDO:0008438, OMIM 182601.

Submission:

MGZ Medical Genetics Center
Classification: Likely pathogenic for Hereditary spastic paraplegia 4. Last evaluated: 2021-11-16. Review status: criteria provided, single submitter. Criteria: ACMG Guidelines, 2015. Collection method: clinical testing. Allele origin: germline. Affected: yes. Observed: 1 variant allele.
Comment: ACMG criteria applied: PVS1, PM2_SUP

NM_014946.4(SPAST):c.1366_1369dup (p.Ala457fs)

Gene: SPAST (spastin; plus strand). Cytogenetic location: 2p22.3.
Variant type: Duplication.
Coding change: c.1366_1369dup on transcript NM_014946.4 (MANE Select); coding-DNA positions 1366 to 1369, 4 bases duplicated (GATG; older notation c.1366_1369dupGATG).
Protein change: p.Ala457fs; shifts the reading frame from alanine 457.
Molecular consequence: frameshift variant.
Genome position (GRCh38, 1-based): chr2:32,136,921-32,136,924, GATG duplicated. VCF-style (leftmost placement, unchanged base first): chr2-32136920-C-CGATG. GRCh37 (hg19) VCF-style: chr2-32361989-C-CGATG.
Other names: c.1363_1366dup, p.Ala456fs (NM_001363823.2); c.1267_1270dup, p.Ala424fs (NM_001363875.2); c.1270_1273dup, p.Ala425fs (NM_001377959.1, NM_199436.2); short protein forms A424fs, A425fs, A456fs, A457fs.
Identifiers: ClinVar variation 1708964 (VCV001708964.2), dbSNP rs2465884147, ClinGen allele CA2580066408.